The following is an entry in ClinVar:

NM_000038.6(APC):c.2933A>C (p.Gln978Pro)

Gene: APC (APC regulator of Wnt signaling pathway; plus strand). Cytogenetic location: 5q22.2.
Variant type: single nucleotide variant.
Coding change: c.2933A>C on transcript NM_000038.6 (MANE Select); coding-DNA position 2933, A replaced by C.
Protein change: p.Gln978Pro; replaces glutamine 978 with proline.
Molecular consequence: missense variant.
Genome position (GRCh38, 1-based): chr5:112,838,527, A>C. VCF-style: chr5-112838527-A-C. GRCh37 (hg19) VCF-style: chr5-112174224-A-C.
Other names: p.Q978P:CAA>CCA; c.2933A>C, p.Gln978Pro (NM_001127510.3, NM_001354895.2); c.2879A>C, p.Gln960Pro (NM_001127511.3); c.2987A>C, p.Gln996Pro (NM_001354896.2); c.2963A>C, p.Gln988Pro (NM_001354897.2); c.2858A>C, p.Gln953Pro (NM_001354898.2); c.2849A>C, p.Gln950Pro (NM_001354899.2); c.2810A>C, p.Gln937Pro (NM_001354900.2); and 6 more; short protein forms Q960P, Q978P, Q818P, Q887P, Q852P, Q950P, Q953P, Q996P.
Identifiers: ClinVar variation 181769 (VCV000181769.16), dbSNP rs730881223, ClinGen allele CA007909.

ClinVar aggregate classification (germline): Uncertain significance. Review status: criteria provided, multiple submitters, no conflicts (2 of 4 stars). 6 submissions from 6 submitters: Uncertain significance (6). Last evaluated 2025-11-27.

Conditions:
Desmoid disease, hereditary (DESMD). Also called: FIBROMATOSIS, FAMILIAL INFILTRATIVE. Identifiers: Orphanet 873, MedGen C1851124, OMIM 135290. Disease mechanism: loss of function.
Gastric adenocarcinoma and proximal polyposis of the stomach (GAPPS). Also called: Polyposis, gastric, Dos Santos and de Magalhaes 1980; Gastric Adenocarcinoma and Proximal Polyposis of the Stomach (GAPPS); POLYPOSIS, GASTRIC. Identifiers: Orphanet 314022, MedGen C4749917, MONDO:0017790, OMIM 619182.
Hepatocellular carcinoma (HCC). Also called: Primary carcinoma of liver; HEPATOMA; LIVER CELL CARCINOMA. Identifiers: Orphanet 88673, MedGen C2239176, MONDO:0007256, OMIM 114550, HP:0001402.
Gastric cancer. Also called: Stomach cancer; Malignant tumor of stomach. Identifiers: MedGen C0024623, MeSH D013274, MONDO:0001056, OMIM 613659, HP:0012126.
Colorectal cancer. Also called: Colorectal cancer, somatic; Malignant Colorectal Neoplasm. Identifiers: MedGen C0346629, MONDO:0005575, OMIM 114500.
Familial adenomatous polyposis 1 (FAP1). Also called: FAMILIAL ADENOMATOUS POLYPOSIS 1, ATTENUATED; POLYPOSIS, ADENOMATOUS INTESTINAL. Identifiers: MedGen C2713442, MONDO:0021056, OMIM 175100. Disease mechanism: loss of function.
Hereditary cancer-predisposing syndrome. Also called: Tumor predisposition; Neoplastic Syndromes, Hereditary; Hereditary Cancer Syndrome; Hereditary neoplastic syndrome. Identifiers: Orphanet 140162, MedGen C0027672, MeSH D009386, MONDO:0015356.

Allele frequency attached by ClinVar (database versions not stated): gnomAD exomes below 0.00001 and 0.00001.
gnomAD v4.1: 2 of 1,614,264 alleles (0.00012%); highest among the groups gnomAD compares: Admixed American, 0.0033%; no homozygotes.

Submissions (6):

Labcorp Genetics (formerly Invitae), Labcorp
Classification: Uncertain significance for Familial adenomatous polyposis 1. Last evaluated: 2025-11-27. Review status: criteria provided, single submitter. Criteria: Invitae Variant Classification Sherloc (09022015). Collection method: clinical testing. Allele origin: germline.
Comment: This sequence change replaces glutamine, which is neutral and polar, with proline, which is neutral and non-polar, at codon 978 of the APC protein (p.Gln978Pro). This variant is present in population databases (rs730881223, gnomAD 0.006%). This variant has not been reported in the literature in individuals affected with APC-related conditions. ClinVar contains an entry for this variant (Variation ID: 181769). Invitae Evidence Modeling of protein sequence and biophysical properties (such as structural, functional, and spatial information, amino acid conservation, physicochemical variation, residue mobility, and thermodynamic stability) indicates that this missense variant is not expected to disrupt APC protein function with a negative predictive value of 95%. In summary, the available evidence is currently insufficient to determine the role of this variant in disease. Therefore, it has been classified as a Variant of Uncertain Significance.

Quest Diagnostics Nichols Institute San Juan Capistrano
Classification: Uncertain significance. Last evaluated: 2025-06-12. Review status: criteria provided, single submitter. Criteria: Quest Diagnostics criteria. Collection method: clinical testing. Allele origin: unknown.
Comment: The APC c.2933A>C (p.Gln978Pro) variant has not been reported in individuals with APC-related conditions in the published literature. The frequency of this variant in the general population (Genome Aggregation Database) is uninformative in the assessment of its pathogenicity. Analysis of this variant using bioinformatics tools for the prediction of the effect of amino acid changes on protein structure and function yielded predictions that this variant is damaging. Based on the available information, we are unable to determine the clinical significance of this variant.

Color Diagnostics, LLC DBA Color Health
Classification: Uncertain significance for Hereditary cancer-predisposing syndrome. Last evaluated: 2024-03-06. Review status: criteria provided, single submitter. Criteria: ACMG Guidelines, 2015. Collection method: clinical testing. Allele origin: germline.
Comment: This missense variant replaces glutamine with proline at codon 978 of the APC protein. Computational prediction is inconclusive regarding the impact of this variant on protein structure and function (internally defined REVEL score threshold 0.5 < inconclusive < 0.7, PMID: 27666373). To our knowledge, functional studies have not been reported for this variant. This variant has not been reported in individuals affected with hereditary cancer in the literature. This variant has been identified in 2/251272 chromosomes in the general population by the Genome Aggregation Database (gnomAD). The available evidence is insufficient to determine the role of this variant in disease conclusively. Therefore, this variant is classified as a Variant of Uncertain Significance.

Fulgent Genetics
Classification: Uncertain significance for Colorectal cancer; Hepatocellular carcinoma; Desmoid disease, hereditary; Familial adenomatous polyposis 1; Gastric cancer; Gastric adenocarcinoma and proximal polyposis of the stomach. Last evaluated: 2024-01-06. Review status: criteria provided, single submitter. Criteria: ACMG Guidelines, 2015. Collection method: clinical testing. Allele origin: germline.

Ambry Genetics
Classification: Uncertain significance for Hereditary cancer-predisposing syndrome. Last evaluated: 2022-05-12. Review status: criteria provided, single submitter. Criteria: Ambry Variant Classification Scheme 2023. Collection method: clinical testing. Allele origin: germline.
Comment: The p.Q978P variant (also known as c.2933A>C), located in coding exon 15 of the APC gene, results from an A to C substitution at nucleotide position 2933. The glutamine at codon 978 is replaced by proline, an amino acid with similar properties. This amino acid position is conserved. In addition, in silico predictors for this gene do not accurately predict pathogenicity. Since supporting evidence is limited at this time, the clinical significance of this alteration remains unclear.

GeneDx
Classification: Uncertain significance. Last evaluated: 2019-08-22. Review status: criteria provided, single submitter. Criteria: GeneDx Variant Classification Process June 2021. Collection method: clinical testing. Allele origin: germline. Affected: yes.
Comment: Not observed at a significant frequency in large population cohorts (Lek 2016); In silico analysis, which includes protein predictors and evolutionary conservation, supports that this variant does not alter protein structure/function; Has not been previously published as pathogenic or benign to our knowledge

Literature cited by the submitters: PubMed 31209238 (cited by Quest Diagnostics Nichols Institute San Juan Capistrano).